The following is an entry in ClinVar:

ClinVar aggregate classification (germline): Uncertain significance (1 of 4 stars; one submission).

Conditions:
Inborn genetic diseases. Identifiers: MedGen C0950123, MeSH D030342.

gnomAD v4.1: 3 of 1,613,732 alleles (0.00019%); highest among the groups gnomAD compares: Non-Finnish European, 0.00025%; no homozygotes.

Submission:

Ambry Genetics
Classification: Uncertain significance for Inborn genetic diseases. Last evaluated: 2026-07-17. Review status: criteria provided, single submitter. Criteria: Ambry Variant Classification Scheme 2023. Collection method: clinical testing. Allele origin: germline.
Comment: The p.A2274T variant (also known as c.6820G>A), located in coding exon 31 of the CHD7 gene, results from a G to A substitution at nucleotide position 6820. The alanine at codon 2274 is replaced by threonine, an amino acid with similar properties. This amino acid position is conserved. In addition, the in silico prediction for this alteration is inconclusive. Based on the available evidence, the clinical significance of this variant remains unclear.

NM_017780.4(CHD7):c.6820G>A (p.Ala2274Thr)

Gene: CHD7 (chromodomain helicase DNA binding protein 7; plus strand). Cytogenetic location: 8q12.2.
Variant type: single nucleotide variant.
Coding change: c.6820G>A on transcript NM_017780.4 (MANE Select); coding-DNA position 6820, G replaced by A.
Protein change: p.Ala2274Thr; replaces alanine 2274 with threonine.
Molecular consequence: missense variant. On other transcripts: intron variant (1).
Genome position (GRCh38, 1-based): chr8:60,854,407, G>A. VCF-style: chr8-60854407-G-A. GRCh37 (hg19) VCF-style: chr8-61766966-G-A.
Other names: c.1717-7822G>A (NM_001316690.1); short protein forms A2274T.
Identifiers: ClinVar variation 5034513 (VCV005034513.1).
Genomic context (GRCh38, chr8:60,854,407, plus strand): 5'-TTAACTCATTTCTCAGCAGGAGCTGTCTCTAGAGGGAAGAATTTTGATGAAGAAAGCAAT[G>A]CTTCCATGAGCACTGCTAGAGATGAAACCCGAGATGGATTCTACATGGAGGACGGAGATC-3'
Protein context (NP_060250.2, residues 2264-2284): RGKNFDEESN[Ala2274Thr]SMSTARDETR